The following is an entry in ClinVar:

NM_000051.4(ATM):c.459A>G (p.Arg153=)

Gene: ATM (ATM serine/threonine kinase; plus strand). Cytogenetic location: 11q22.3.
Variant type: single nucleotide variant.
Coding change: c.459A>G on transcript NM_000051.4 (MANE Select); coding-DNA position 459, A replaced by G.
Protein change: p.Arg153=; no amino-acid change (arginine 153 retained).
Molecular consequence: synonymous variant.
Genome position (GRCh38, 1-based): chr11:108,235,797, A>G. VCF-style: chr11-108235797-A-G. GRCh37 (hg19) VCF-style: chr11-108106524-A-G.
Other names: c.459A>G, p.Arg153= (NM_001351834.2); c.459A>G (NM_000051.3).
Identifiers: ClinVar variation 1102420 (VCV001102420.11), dbSNP rs2135125274, ClinGen allele CA476670417.

ClinVar aggregate classification (germline): Benign/Likely benign. Review status: criteria provided, multiple submitters, no conflicts (2 of 4 stars). 3 submissions from 3 submitters: Benign (1); Likely benign (2). Last evaluated 2026-06-24.

Conditions:
Hereditary cancer-predisposing syndrome. Also called: Neoplastic Syndromes, Hereditary; Tumor predisposition; Hereditary Cancer Syndrome; Hereditary neoplastic syndrome. Identifiers: Orphanet 140162, MedGen C0027672, MeSH D009386, MONDO:0015356.
Ataxia-telangiectasia syndrome (AT). Also called: Ataxia-telangiectasia, complementation group D; ATAXIA-TELANGIECTASIA, COMPLEMENTATION GROUP A; ATAXIA-TELANGIECTASIA, FRESNO VARIANT; Ataxia-telangiectasia; Ataxia telangiectasia (A-T); AT, COMPLEMENTATION GROUP C. Identifiers: Orphanet 100, MedGen C0004135, MONDO:0008840, OMIM 208900.
Familial cancer of breast. Also called: Hereditary breast cancer; hereditary breast carcinoma; BREAST CANCER, FAMILIAL. Identifiers: Orphanet 227535, MedGen C0346153, MONDO:0016419, OMIM 114480. Disease mechanism: loss of function.

Submissions (3):

Ambry Genetics
Classification: Likely benign for Hereditary cancer-predisposing syndrome. Last evaluated: 2026-06-24. Review status: criteria provided, single submitter. Criteria: Ambry Variant Classification Scheme 2023. Collection method: clinical testing. Allele origin: germline.

Labcorp Genetics (formerly Invitae), Labcorp
Classification: Likely benign for Ataxia-telangiectasia syndrome. Last evaluated: 2024-06-26. Review status: criteria provided, single submitter. Criteria: Invitae Variant Classification Sherloc (09022015). Collection method: clinical testing. Allele origin: germline.

Myriad Genetics, Inc.
Classification: Benign for Familial cancer of breast. Last evaluated: 2024-04-19. Review status: criteria provided, single submitter. Criteria: Myriad Autosomal Dominant, Autosomal Recessive and X-Linked Classification Criteria (2023). Collection method: clinical testing. Allele origin: unknown.
Comment: This variant is considered benign. This variant is a silent/synonymous amino acid change and it is not expected to impact splicing.